The following is an entry in ClinVar:

ClinVar aggregate classification (germline): Uncertain significance (1 of 4 stars; one submission).

Allele frequency attached by ClinVar (database versions not stated): ExAC 0.00002; gnomAD exomes 0.00002; gnomAD 0.00005; TOPMed 0.00007; ESP Exome Variant Server 0.00008.

Submission:

Labcorp Genetics (formerly Invitae), Labcorp
Classification: Uncertain significance. Last evaluated: 2022-10-26. Review status: criteria provided, single submitter. Criteria: Invitae Variant Classification Sherloc (09022015). Collection method: clinical testing. Allele origin: germline.
Comment: This sequence change replaces arginine, which is basic and polar, with histidine, which is basic and polar, at codon 502 of the COL13A1 protein (p.Arg502His). This variant is present in population databases (rs371347973, gnomAD 0.01%). This variant has not been reported in the literature in individuals affected with COL13A1-related conditions. Algorithms developed to predict the effect of missense changes on protein structure and function (SIFT, PolyPhen-2, Align-GVGD) all suggest that this variant is likely to be disruptive. In summary, the available evidence is currently insufficient to determine the role of this variant in disease. Therefore, it has been classified as a Variant of Uncertain Significance.

NM_001368882.1(COL13A1):c.1538G>A (p.Arg513His)

Gene: COL13A1 (collagen type XIII alpha 1 chain; plus strand). Cytogenetic location: 10q22.1.
Variant type: single nucleotide variant.
Coding change: c.1538G>A on transcript NM_001368882.1 (MANE Select); coding-DNA position 1538, G replaced by A.
Protein change: p.Arg513His; replaces arginine 513 with histidine.
Molecular consequence: missense variant.
Genome position (GRCh38, 1-based): chr10:69,930,407, G>A. VCF-style: chr10-69930407-G-A. GRCh37 (hg19) VCF-style: chr10-71690163-G-A.
Other names: c.1505G>A, p.Arg502His (NM_001130103.2); c.1475G>A, p.Arg492His (NM_001320951.2, NM_001368884.1); c.1502G>A, p.Arg501His (NM_001368883.1); c.1439G>A, p.Arg480His (NM_001368885.1, NM_080801.4, NM_080802.4); c.875G>A, p.Arg292His (NM_001368886.1); c.1448G>A, p.Arg483His (NM_001368895.1, NM_080800.4); c.1334G>A, p.Arg445His (NM_001368896.1, NM_001368898.1, NM_080798.4); c.1361G>A, p.Arg454His (NM_001368897.1); and 1 more; short protein forms R292H, R445H, R451H, R454H, R480H, R483H, R492H, R501H.
Identifiers: ClinVar variation 2415502 (VCV002415502.2), dbSNP rs371347973, ClinGen allele CA5534826.
Genomic context (GRCh38, chr10:69,930,407, plus strand): 5'-CTCCTCTTTTCTCCATTAATGTGTCTAAGAAGCGTTTTTGGTATTTTCTAAAGGGACCTC[G>A]CGGTAAACCAGGAGACATGGGCCCTCCTGGTCCCCAAGGCCCCCCAGGAAAGGATGGACC-3'
Protein context (NP_001355811.1, residues 503-523): PPGHDGEKGP[Arg513His]GKPGDMGPPG